The following is an entry in ClinVar:

NM_022458.4(LMBR1):c.*100T>G

Gene: LMBR1 (limb development membrane protein 1; minus strand). Cytogenetic location: 7q36.3.
Variant type: single nucleotide variant.
Coding change: c.*100T>G on transcript NM_022458.4 (MANE Select); 100 bases downstream of the stop codon, T replaced by G.
Molecular consequence: 3 prime UTR variant. On other transcripts: non-coding transcript variant (2).
Genome position (GRCh38, 1-based): chr7:156,683,978, A>C on the plus strand (T>G on the coding strand, the complement: LMBR1 is on the minus strand). VCF-style: chr7-156683978-A-C. GRCh37 (hg19) VCF-style: chr7-156476672-A-C.
Other names: c.*100T>G (NM_001350953.2, NM_001350954.2, NM_001350955.2 and 8 more transcripts).
Identifiers: ClinVar variation 359416 (VCV000359416.5), dbSNP rs111554843, ClinGen allele CA10625582.

ClinVar aggregate classification (germline): Benign (1 of 4 stars; one submission).

Conditions:
Polydactyly of a triphalangeal thumb. Also called: POLYDACTYLY OF TRIPHALANGEAL THUMB; TRIPHALANGEAL THUMB-POLYDACTYLY SYNDROME; Polydactyly, preaxial type II. Identifiers: Orphanet 2439, Orphanet 2950, Orphanet 93336, MedGen C1868114, MONDO:0008270, OMIM 174500.

Allele frequency attached by ClinVar (database versions not stated): gnomAD 0.00347 and 0.00601; TOPMed 0.00394; gnomAD exomes 0.01105; 1000 Genomes Project 30x 0.02405; 1000 Genomes Project 0.02536.
gnomAD v4.1: 9,486 of 933,722 alleles (1%); highest among the groups gnomAD compares: South Asian, 7.8%; 279 homozygotes.

Submission:

Illumina Laboratory Services, Illumina
Classification: Benign for Polydactyly of a triphalangeal thumb. Last evaluated: 2018-01-13. Review status: criteria provided, single submitter. Criteria: ICSL Variant Classification Criteria 13 December 2019. Collection method: clinical testing. Allele origin: germline.
Comment: This variant was observed in the ICSL laboratory as part of a predisposition screen in an ostensibly healthy population. It had not been previously curated by ICSL or reported in the Human Gene Mutation Database (HGMD: prior to June 1st, 2018), and was therefore a candidate for classification through an automated scoring system. Utilizing variant allele frequency, disease prevalence and penetrance estimates, and inheritance mode, an automated score was calculated to assess if this variant is too frequent to cause the disease. Based on the score and internal cut-off values, a variant classified as benign is not then subjected to further curation. The score for this variant resulted in a classification of benign for this disease.